The following is an entry in ClinVar:

ClinVar aggregate classification (germline): Likely pathogenic (1 of 4 stars; one submission).

Conditions:
Dilated cardiomyopathy 1G (CMD1G). Identifiers: Orphanet 154, MedGen C1858763, MONDO:0011400, OMIM 604145.

Submission:

Victorian Clinical Genetics Services, Murdoch Childrens Research Institute
Classification: Likely pathogenic for Dilated cardiomyopathy 1G. Last evaluated: 2025-02-14. Review status: criteria provided, single submitter. Criteria: ACMG Guidelines, 2015. Collection method: clinical testing. Allele origin: germline. Affected: yes.
Comment: This variant is classified as Likely pathogenic. Evidence in support of pathogenic classification: Variant is predicted to cause nonsense-mediated decay (NMD) and loss of protein (premature termination codon is located at least 54 nucleotides upstream of the final exon-exon junction); Variant is absent from gnomAD (v2, v3 and v4); Other NMD-predicted variants comparable to the one identified in this case have strong previous evidence for pathogenicity (ClinVar). Additional information: This variant is heterozygous; This gene is associated with both recessive and dominant disease (OMIM); This variant has no previous evidence of pathogenicity; No published segregation evidence has been identified for this variant; No published functional evidence has been identified for this variant; Variant is located in the annotated A-band and the exon has a PSI score of 100% (PMID: 25589632); Loss of function is a known mechanism of disease in this gene. In addition, dominant negative is also a suggested mechanism (PMID: 25589632); The condition associated with this gene has incomplete penetrance. Variants in this gene that result in a premature termination codon (PTC) are known to have reduced penetrance in DCM (PMID: 25589632); Inheritance information for this variant is not currently available in this individual.

Literature cited by the submitters: PubMed 25589632.

NM_001267550.2(TTN):c.94982_94983del (p.Lys31661fs)

Genes: TTN-AS1 (TTN antisense RNA 1; plus strand), TTN (titin; minus strand). Cytogenetic location: 2q31.2.
Variant type: Deletion.
Coding change: c.94982_94983del on transcript NM_001267550.2 (MANE Select); coding-DNA positions 94982 to 94983, 2 bases deleted (AA; older notation c.94982_94983delAA).
Protein change: p.Lys31661fs; shifts the reading frame from lysine 31661.
Molecular consequence: frameshift variant.
Genome position (GRCh38, 1-based): chr2:178,546,348-178,546,349, TT deleted on the plus strand (AA on the coding strand, the reverse complement: TTN is on the minus strand); deleting any 2 consecutive bases within chr2:178,546,348-178,546,352 gives the same sequence; the c. name uses the placement nearest the transcript's 3' end. VCF-style (leftmost placement, unchanged base first): chr2-178546347-CTT-C. GRCh37 (hg19) VCF-style: chr2-179411074-CTT-C.
Other names: c.90059_90060del, p.Lys30020fs (NM_001256850.1); c.67787_67788del, p.Lys22596fs (NM_003319.4); c.87278_87279del, p.Lys29093fs (NM_133378.4); c.68162_68163del, p.Lys22721fs (NM_133432.3); c.68363_68364del, p.Lys22788fs (NM_133437.4); short protein forms K22596fs, K22721fs, K22788fs, K29093fs, K30020fs, K31661fs.
Identifiers: ClinVar variation 4531790 (VCV004531790.1).
Genomic context (GRCh38, chr2:178,546,347, plus strand): 5'-CACTTCTGTCACAGAACTTGATCACAGCAGTTGCTCGTTTGCCAGTATACTGCAAAGAGA[CTT>C]TTTCACAGAGATCTAGCTCCTTGTCTCCTTTGGTCCAGATAATTTTGGGTTCAGGTTTGC-3'